The following is an entry in ClinVar:

NM_001372106.1(DNAH10):c.4942T>C (p.Cys1648Arg)

Gene: DNAH10 (dynein axonemal heavy chain 10; plus strand). Cytogenetic location: 12q24.31.
Variant type: single nucleotide variant.
Coding change: c.4942T>C on transcript NM_001372106.1 (MANE Select); coding-DNA position 4942, T replaced by C.
Protein change: p.Cys1648Arg; replaces cysteine 1648 with arginine.
Molecular consequence: missense variant.
Genome position (GRCh38, 1-based): chr12:123,838,495, T>C. VCF-style: chr12-123838495-T-C. GRCh37 (hg19) VCF-style: chr12-124323042-T-C.
Other names: c.4588T>C, p.Cys1530Arg (NM_207437.3); short protein forms C1530R, C1648R.
Identifiers: ClinVar variation 3382925 (VCV003382925.2).

ClinVar aggregate classification (germline): Uncertain significance (1 of 4 stars; one submission).

Conditions:
Spermatogenic failure 56. Identifiers: MedGen C5561978, MONDO:0030430, OMIM 619515.

gnomAD v4.1: 3 of 1,613,862 alleles (0.00019%); highest among the groups gnomAD compares: South Asian, 0.0022%; no homozygotes.

Submission:

Juno Genomics, Hangzhou Juno Genomics, Inc
Classification: Uncertain significance for Spermatogenic failure 56. Review status: criteria provided, single submitter. Criteria: ACMG Guidelines, 2015. Collection method: clinical testing. Allele origin: germline. Affected: yes.
Comment: Absent from controls (or at extremely low frequency if recessive) in Genome Aggregation Database, Exome Sequencing Project, 1000 Genomes Project, or Exome Aggregation Consortium.;Patient's phenotype or family history is highly specific for a disease with a single genetic etiology.